The following is an entry in ClinVar:

NM_000329.3(RPE65):c.1265A>G (p.Asn422Ser)

Gene: RPE65 (retinoid isomerohydrolase RPE65; minus strand). Cytogenetic location: 1p31.3.
Variant type: single nucleotide variant.
Coding change: c.1265A>G on transcript NM_000329.3 (MANE Select); coding-DNA position 1265, A replaced by G.
Protein change: p.Asn422Ser; replaces asparagine 422 with serine.
Molecular consequence: missense variant.
Genome position (GRCh38, 1-based): chr1:68,431,355, T>C on the plus strand (A>G on the coding strand, the complement: RPE65 is on the minus strand). VCF-style: chr1-68431355-T-C. GRCh37 (hg19) VCF-style: chr1-68897038-T-C.
Other names: c.1157A>G, p.Asn386Ser (NM_001406853.1); c.989A>G, p.Asn330Ser (NM_001406856.1, NM_001406857.1); c.1265A>G (NM_000329.2); short protein forms N422S, N330S, N386S.
Identifiers: ClinVar variation 2194762 (VCV002194762.3), dbSNP rs767599203, ClinGen allele CA902220.

ClinVar aggregate classification (germline): Uncertain significance. Review status: criteria provided, multiple submitters, no conflicts (2 of 4 stars). 3 submissions from 3 submitters: Uncertain significance (3). Last evaluated 2025-08-08.

Conditions:
Inborn genetic diseases. Identifiers: MedGen C0950123, MeSH D030342.
Retinitis pigmentosa 20 (RP20). Identifiers: Orphanet 791, MedGen C3151086, MONDO:0013425, OMIM 613794.
Leber congenital amaurosis 2 (LCA2). Also called: AMAUROSIS CONGENITA OF LEBER II; Autosomal Recessive RPE65-Related Retinal Degeneration. Identifiers: Orphanet 65, MedGen C1859844, MONDO:0008765, OMIM 204100. Disease mechanism: loss of function.

Allele frequency attached by ClinVar (database versions not stated): TOPMed below 0.00001; ExAC 0.00001; gnomAD exomes 0.00006.
gnomAD v4.1: 81 of 1,613,986 alleles (0.005%); highest among the groups gnomAD compares: Non-Finnish European, 0.0067%; no homozygotes.

Submissions (3):

Ambry Genetics
Classification: Uncertain significance for Inborn genetic diseases. Last evaluated: 2025-08-08. Review status: criteria provided, single submitter. Criteria: Ambry Variant Classification Scheme 2023. Collection method: clinical testing. Allele origin: germline.

Blueprint Genetics
Classification: Uncertain significance. Last evaluated: 2023-11-14. Review status: criteria provided, single submitter. Criteria: ACMG Guidelines, 2015. Collection method: clinical testing. Allele origin: germline.

Labcorp Genetics (formerly Invitae), Labcorp
Classification: Uncertain significance for Leber congenital amaurosis 2; Retinitis pigmentosa 20. Last evaluated: 2022-07-06. Review status: criteria provided, single submitter. Criteria: Invitae Variant Classification Sherloc (09022015). Collection method: clinical testing. Allele origin: germline.
Comment: This sequence change replaces asparagine, which is neutral and polar, with serine, which is neutral and polar, at codon 422 of the RPE65 protein (p.Asn422Ser). This variant is present in population databases (rs767599203, gnomAD 0.004%). This variant has not been reported in the literature in individuals affected with RPE65-related conditions. Algorithms developed to predict the effect of missense changes on protein structure and function (SIFT, PolyPhen-2, Align-GVGD) all suggest that this variant is likely to be tolerated. Algorithms developed to predict the effect of sequence changes on RNA splicing suggest that this variant may create or strengthen a splice site. In summary, the available evidence is currently insufficient to determine the role of this variant in disease. Therefore, it has been classified as a Variant of Uncertain Significance.